The following is an entry in ClinVar:

NM_000466.3(PEX1):c.2026C>T (p.His676Tyr)

Gene: PEX1 (peroxisomal biogenesis factor 1; minus strand). Cytogenetic location: 7q21.2.
Variant type: single nucleotide variant.
Coding change: c.2026C>T on transcript NM_000466.3 (MANE Select); coding-DNA position 2026, C replaced by T.
Protein change: p.His676Tyr; replaces histidine 676 with tyrosine.
Molecular consequence: missense variant. On other transcripts: intron variant (1).
Genome position (GRCh38, 1-based): chr7:92,504,777, G>A on the plus strand (C>T on the coding strand, the complement: PEX1 is on the minus strand). VCF-style: chr7-92504777-G-A. GRCh37 (hg19) VCF-style: chr7-92134091-G-A.
Other names: c.1402C>T, p.His468Tyr (NM_001282678.2); c.1900+1471C>T (NM_001282677.2); short protein forms H676Y, H468Y.
Identifiers: ClinVar variation 1370819 (VCV001370819.8), dbSNP rs759330849, ClinGen allele CA4341237.
Genomic context (GRCh38, chr7:92,504,777, plus strand): 5'-GGTGGATGCATTTACCATGAGCAAGCCGCTGGCTCTGCACCGCATCAGGACTGTGCTCAT[G>A]TTCCGGGACAGCAGGCAGTCCAGCAATGAGGTCAAGGTCATCCAGCAGGACAACAGATGG-3'
Protein context (NP_000457.1, residues 666-686): LIAGLPAVPE[His676Tyr]EHSPDAVQSQ

ClinVar aggregate classification (germline): Uncertain significance (1 of 4 stars; one submission).

Conditions:
Zellweger spectrum disorders (ZS). Also called: Zellweger Spectrum Disorder (ZSD); Zellweger syndrome; Zellweger Spectrum Disorder; Zellweger Spectrum. Identifiers: Orphanet 912, MedGen C0043459, MONDO:0019609.

Allele frequency attached by ClinVar (database versions not stated): gnomAD exomes below 0.00001 and 0.00001; ExAC 0.00002.
gnomAD v4.1: 1 of 1,614,198 alleles (0.000062%); highest among the groups gnomAD compares: Non-Finnish European, 0.000085%; no homozygotes.

Submission:

Labcorp Genetics (formerly Invitae), Labcorp
Classification: Uncertain significance for Zellweger spectrum disorders. Last evaluated: 2022-09-01. Review status: criteria provided, single submitter. Criteria: Invitae Variant Classification Sherloc (09022015). Collection method: clinical testing. Allele origin: germline.
Comment: This variant has not been reported in the literature in individuals affected with PEX1-related conditions. In summary, the available evidence is currently insufficient to determine the role of this variant in disease. Therefore, it has been classified as a Variant of Uncertain Significance. Algorithms developed to predict the effect of missense changes on protein structure and function are either unavailable or do not agree on the potential impact of this missense change (SIFT: "Tolerated"; PolyPhen-2: "Possibly Damaging"; Align-GVGD: "Class C0"). ClinVar contains an entry for this variant (Variation ID: 1370819). This variant is present in population databases (rs759330849, gnomAD 0.002%). This sequence change replaces histidine, which is basic and polar, with tyrosine, which is neutral and polar, at codon 676 of the PEX1 protein (p.His676Tyr).